The following is an entry in ClinVar:

NM_001649.4(SHROOM2):c.783G>A (p.Ser261=)

Gene: SHROOM2 (shroom family member 2; plus strand). Cytogenetic location: Xp22.2.
Variant type: single nucleotide variant.
Coding change: c.783G>A on transcript NM_001649.4 (MANE Select); coding-DNA position 783, G replaced by A.
Protein change: p.Ser261=; no amino-acid change (serine 261 retained).
Molecular consequence: synonymous variant.
Genome position (GRCh38, 1-based): chrX:9,894,691, G>A. VCF-style: chrX-9894691-G-A. GRCh37 (hg19) VCF-style: chrX-9862731-G-A.
Identifiers: ClinVar variation 3055430 (VCV003055430.2), dbSNP rs74461072, ClinGen allele CA10345269.

ClinVar aggregate classification (germline): Benign (0 of 4 stars; one submission).

Conditions:
SHROOM2-related disorder. Also called: SHROOM2-related condition.

Allele frequency attached by ClinVar (database versions not stated): 1000 Genomes Project 30x 0.00645; ESP Exome Variant Server 0.00834.
gnomAD v4.1: 14,532 of 1,208,844 alleles (1.2%); highest among the groups gnomAD compares: Non-Finnish European, 1.3%; 69 homozygotes.

Submission:

PreventionGenetics, part of Exact Sciences
Classification: Benign for SHROOM2-related condition. Last evaluated: 2024-08-15. Review status: no assertion criteria provided. Collection method: clinical testing. Allele origin: germline.
Comment: This variant is classified as benign based on ACMG/AMP sequence variant interpretation guidelines (Richards et al. 2015 PMID: 25741868, with internal and published modifications).